The following is an entry in ClinVar:

NM_001164508.2(NEB):c.24510dup (p.Lys8171fs)

Genes: RIF1 (replication timing regulatory factor 1; plus strand), NEB (nebulin; minus strand). Cytogenetic location: 2q23.3.
Variant type: Duplication.
Coding change: c.24510dup on transcript NM_001164508.2 (MANE Select); coding-DNA position 24510, one base duplicated (G; older notation c.24510dupG).
Protein change: p.Lys8171fs; shifts the reading frame from lysine 8171.
Molecular consequence: frameshift variant.
Genome position (GRCh38, 1-based): chr2:151,494,230, C duplicated on the plus strand (G on the coding strand, the reverse complement: NEB is on the minus strand); the first of 4 consecutive C bases (chr2:151,494,230-151,494,233); duplicating any one gives the same sequence. VCF-style (leftmost placement, unchanged base first): chr2-151494229-T-TC. GRCh37 (hg19) VCF-style: chr2-152350743-T-TC.
Other names: c.24510dup, p.Lys8171fs (NM_001164507.2); c.24615dup, p.Lys8206fs (NM_001271208.2); c.18942dup, p.Lys6315fs (NM_004543.5); short protein forms K6315fs, K8171fs, K8206fs.
Identifiers: ClinVar variation 2023151 (VCV002023151.4), dbSNP rs2551741002, ClinGen allele CA2580064126.

ClinVar aggregate classification (germline): Pathogenic (1 of 4 stars; one submission).

Conditions:
Nemaline myopathy 2 (NEM2). Also called: Nemaline myopathy 2, autosomal recessive. Identifiers: MedGen C1850569, MONDO:0009725, OMIM 256030.

Submission:

Labcorp Genetics (formerly Invitae), Labcorp
Classification: Pathogenic for Nemaline myopathy 2. Last evaluated: 2022-08-09. Review status: criteria provided, single submitter. Criteria: Invitae Variant Classification Sherloc (09022015). Collection method: clinical testing. Allele origin: germline.
Comment: For these reasons, this variant has been classified as Pathogenic. This variant has not been reported in the literature in individuals affected with NEB-related conditions. This variant is not present in population databases (gnomAD no frequency). This sequence change creates a premature translational stop signal (p.Lys8206Glufs*10) in the NEB gene. It is expected to result in an absent or disrupted protein product. Loss-of-function variants in NEB are known to be pathogenic (PMID: 25205138).

Literature cited by the submitters: PubMed 25205138.